The following is an entry in ClinVar:

NM_003906.5(MCM3AP):c.4105G>C (p.Val1369Leu)

Genes: MCM3AP (minichromosome maintenance complex component 3 associated protein; minus strand), LOC130066871 (ATAC-STARR-seq lymphoblastoid active region 18599; plus strand). Cytogenetic location: 21q22.3.
Variant type: single nucleotide variant.
Coding change: c.4105G>C on transcript NM_003906.5 (MANE Select); coding-DNA position 4105, G replaced by C.
Protein change: p.Val1369Leu; replaces valine 1369 with leucine.
Molecular consequence: missense variant.
Genome position (GRCh38, 1-based): chr21:46,254,423, C>G on the plus strand (G>C on the coding strand, the complement: MCM3AP is on the minus strand). VCF-style: chr21-46254423-C-G. GRCh37 (hg19) VCF-style: chr21-47674337-C-G.
Other names: short protein forms V1369L.
Identifiers: ClinVar variation 1974612 (VCV001974612.5), dbSNP rs371926171, ClinGen allele CA321980896.

ClinVar aggregate classification (germline): Uncertain significance (1 of 4 stars; one submission).

Submission:

Labcorp Genetics (formerly Invitae), Labcorp
Classification: Uncertain significance. Last evaluated: 2022-09-27. Review status: criteria provided, single submitter. Criteria: Invitae Variant Classification Sherloc (09022015). Collection method: clinical testing. Allele origin: germline.
Comment: Algorithms developed to predict the effect of missense changes on protein structure and function (SIFT, PolyPhen-2, Align-GVGD) all suggest that this variant is likely to be tolerated. This variant has not been reported in the literature in individuals affected with MCM3AP-related conditions. This variant is not present in population databases (gnomAD no frequency). This sequence change replaces valine, which is neutral and non-polar, with leucine, which is neutral and non-polar, at codon 1369 of the MCM3AP protein (p.Val1369Leu). In summary, the available evidence is currently insufficient to determine the role of this variant in disease. Therefore, it has been classified as a Variant of Uncertain Significance.